The following is an entry in ClinVar:

ClinVar aggregate classification (germline): Pathogenic/Likely pathogenic. Review status: criteria provided, multiple submitters, no conflicts (2 of 4 stars). 11 submissions from 9 submitters: Pathogenic (3); Likely pathogenic (8). Last evaluated 2025-10-13.

Conditions:
Cardiovascular phenotype. Identifiers: MedGen CN230736.
Hypertrophic cardiomyopathy 2. Also called: TNNT2-Related Familial Hypertrophic Cardiomyopathy. Identifiers: MedGen C1861864, MONDO:0007266, OMIM 115195.
Dilated cardiomyopathy 1D. Identifiers: Orphanet 154, Orphanet 54260, MedGen C1832243, MONDO:0011095, OMIM 601494.
Cardiomyopathy, familial restrictive, 3. Identifiers: Orphanet 75249, MedGen C2676271, MONDO:0012900, OMIM 612422.
Cardiomyopathy (CMYO). Also called: Cardiomyopathies. Identifiers: Orphanet 167848, MedGen C0878544, MONDO:0004994, HP:0001638. Inheritance: Various modes of inheritance.
Hypertrophic cardiomyopathy. Also called: HYPERTROPHIC MYOCARDIOPATHY. Identifiers: Orphanet 217569, MedGen C0007194, MeSH D002312, MONDO:0005045, HP:0001639.

gnomAD v4.1: 1 of 1,614,060 alleles (0.000062%); highest among the groups gnomAD compares: Non-Finnish European, 0.000085%; no homozygotes.

Submissions (11):

Labcorp Genetics (formerly Invitae), Labcorp
Classification: Pathogenic for Cardiomyopathy, familial restrictive, 3; Hypertrophic cardiomyopathy 2; Dilated cardiomyopathy 1D. Last evaluated: 2025-10-13. Review status: criteria provided, single submitter. Criteria: Invitae Variant Classification Sherloc (09022015). Collection method: clinical testing. Allele origin: germline.
Comment: This sequence change replaces arginine, which is basic and polar, with leucine, which is neutral and non-polar, at codon 94 of the TNNT2 protein (p.Arg94Leu). This variant is not present in population databases (gnomAD no frequency). This missense change has been observed in individuals with hypertrophic cardiomyopathy (PMID: 10525521, 27532257). It has also been observed to segregate with disease in related individuals. ClinVar contains an entry for this variant (Variation ID: 43629). An algorithm developed specifically for the TNNT2 gene suggests that this missense change is likely to be deleterious (PMID: 21310275). Experimental studies have shown that this missense change affects TNNT2 function (PMID: 14654368, 14722098). This variant disrupts the p.Arg94 amino acid residue in TNNT2. Other variant(s) that disrupt this residue have been determined to be pathogenic (PMID: 10978365). This suggests that this residue is clinically significant, and that variants that disrupt this residue are likely to be disease-causing. For these reasons, this variant has been classified as Pathogenic.

Ambry Genetics
Classification: Pathogenic for Cardiovascular phenotype. Last evaluated: 2024-04-22. Review status: criteria provided, single submitter. Criteria: Ambry Variant Classification Scheme 2023. Collection method: clinical testing. Allele origin: germline.
Comment: The p.R94L pathogenic mutation (also known as c.281G>T), located in coding exon 8 of the TNNT2 gene, results from a G to T substitution at nucleotide position 281. The arginine at codon 94 is replaced by leucine, an amino acid with dissimilar properties. This alteration has been reported in several hypertrophic cardiomyopathy (HCM) cohorts and has been shown to segregate with disease in a family (Varnava A et al. Heart. 1999;82:621-4; Melacini P et al. Eur Heart J. 2010 Sep;31(17):2111-23; Pasquale F et al. Circ Cardiovasc Genet. 2012 Feb;5(1):10-7). Functional in vitro analyses involving skinned cardiac fibers have suggested that this alteration affects TNNT2 protein function (Lu QW et al. J Mol Cell Cardiol. 2003;35:1421-7). In addition, an alteration involving the same amino acid, p.R94H (c.281G>A), has been reported in individuals with HCM (Millat G et al. Eur J Med Genet. 2010;53:261-7). This amino acid position is highly conserved in available vertebrate species. In addition, this alteration is predicted to be deleterious by in silico analysis. This variant is considered to be rare based on population cohorts in the Genome Aggregation Database (gnomAD). Based on the supporting evidence, this alteration is interpreted as a disease-causing mutation.

Color Diagnostics, LLC DBA Color Health
Classification: Likely pathogenic for Cardiomyopathy. Last evaluated: 2024-02-12. Review status: criteria provided, single submitter. Criteria: ACMG Guidelines, 2015. Collection method: clinical testing. Allele origin: germline.
Comment: This missense variant replaces arginine with leucine at codon 94 in the tropomyosin binding domain 1 of the TNNT2 protein. Computational prediction tools indicate that this variant has a deleterious impact on protein structure and function. Experimental functional studies using rabbit skinned muscle fibers have shown that this variant causes an increase in calcium sensitivity (PMID: 14654368, 14722098). In-vitro functional characterization studies have shown that this variant causes instability in the tropomyosin overlap complex (PMID: 11606294). This variant has been reported in multiple individuals affected with hypertrophic cardiomyopathy (PMID: 10525521, 20513729, 22144547, 27532257, 28073646, 32659924, 33495597, 35176171). It has been shown that this variant segregates with disease in two affected individuals in one family (PMID: 28073646). This variant has also been reported in one individual affected with restrictive cardiomyopathy (PMID: 30165862) and in one individual affected with an unspecified cardiomyopathy (PMID: 37477868). This variant has not been identified in the general population by the Genome Aggregation Database (gnomAD). Different variants affecting the same codon, p.Arg94His and p.Arg94Cys, are considered to be disease-causing (ClinVar variation ID: 43628 and 165549), suggesting that arginine at this position is important for TNNT2 protein function. Based on the available evidence, this variant is classified as Likely Pathogenic.

All of Us Research Program, National Institutes of Health
Classification: Likely pathogenic for Hypertrophic cardiomyopathy. Last evaluated: 2023-11-28. Review status: criteria provided, single submitter. Criteria: ACMG Guidelines, 2015. Collection method: clinical testing. Allele origin: germline. Inheritance: Autosomal dominant inheritance. Observed: 2 variant alleles, 2 heterozygotes.
Comment: This missense variant replaces arginine with leucine at codon 94 in the tropomyosin binding domain 1 of the TNNT2 protein. Computational prediction suggests that this variant may have a deleterious impact on protein structure and function (internally defined REVEL score threshold >= 0.7, PMID: 27666373). Experimental functional studies using rabbit skinned muscle fibers have shown that this variant causes an increase in calcium sensitivity (PMID: 14654368, 14722098). In-vitro functional characterization studies have shown that this variant causes instability in the tropomyosin overlap complex (PMID: 11606294). This variant has been reported in multiple individuals affected with hypertrophic cardiomyopathy (PMID: 10525521, 20513729, 22144547, 27532257, 28073646, 32659924, 33495597). It has been shown that this variant segregates with disease in two affected individuals in one family (PMID: 28073646). This variant has also been reported in an individual affected with restrictive cardiomyopathy (PMID: 30165862). This variant has not been identified in the general population by the Genome Aggregation Database (gnomAD). Different variants affecting the same codon, p.Arg94His and p.Arg94Cys, are considered to be disease-causing (ClinVar variation ID: 43628 and 165549), suggesting that arginine at this position is important for TNNT2 protein function. Based on the available evidence, this variant is classified as Likely Pathogenic.

This study involves interpretation of variants in research participants for the purpose of population health screening. Participant phenotype was not available at the time of variant classification. Additional details can be found in publication PMID: 35346344, PMCID: PMC8962531

Genome-Nilou Lab
Classification: Likely pathogenic for Dilated cardiomyopathy 1D. Last evaluated: 2023-04-11. Review status: criteria provided, single submitter. Criteria: ACMG Guidelines, 2015. Collection method: clinical testing. Allele origin: germline. Affected: no.

Genome-Nilou Lab
Classification: Likely pathogenic for Cardiomyopathy, familial restrictive, 3. Last evaluated: 2023-04-11. Review status: criteria provided, single submitter. Criteria: ACMG Guidelines, 2015. Collection method: clinical testing. Allele origin: germline. Affected: no.

Genome-Nilou Lab
Classification: Likely pathogenic for Hypertrophic cardiomyopathy 2. Last evaluated: 2023-04-11. Review status: criteria provided, single submitter. Criteria: ACMG Guidelines, 2015. Collection method: clinical testing. Allele origin: germline. Affected: no.

GeneDx
Classification: Pathogenic. Last evaluated: 2022-05-20. Review status: criteria provided, single submitter. Criteria: GeneDx Variant Classification Process June 2021. Collection method: clinical testing. Allele origin: germline. Affected: yes.
Comment: Published functional studies demonstrated altered calcium regulation of muscle contraction (Lu et al., 2003; Harada et al., 2004); In silico analysis supports that this missense variant has a deleterious effect on protein structure/function; This variant is associated with the following publications: (PMID: 14654368, 10525521, 28073646, 22144547, 27532257, 11606294, 14722098, 18258667, 23074333, 25611685, 32659924, 30165862, 20513729)

Human Genome Sequencing Center Clinical Lab, Baylor College of Medicine
Classification: Likely pathogenic for Familial hypertrophic cardiomyopathy 2; Dilated cardiomyopathy 1D. Last evaluated: 2019-12-31. Review status: criteria provided, single submitter. Criteria: ACMG Guidelines, 2015. Collection method: clinical testing. Allele origin: germline.
Comment: The c.281G>T variant results in an amino acid change from an arginine to a leucine at codon 94 of the TNNT2 protein (p.Arg94Leu). The variant has been reported in an individual with familial hypertrophic cardiomyopathy (HCM) and segregates in the family (PMID: 10525521). It has also been reported in multiple unrelated individuals affected with HCM (PMID: 27532257). Functional studies support an effect of this variant on calcium-dependent force generation (PMID: 14654368). Different missense variants at this location (p.Arg94Cys, p.Arg94His) have been reported in association with HCM (PMID: 22112859, 23711808, 2003160, 20624503). This variant is not present in population databases (gnomAD). Therefore, this variant in the TNNT2 gene is classified as likely pathogenic.

Laboratory for Molecular Medicine, Mass General Brigham Personalized Medicine
Classification: Likely pathogenic for Hypertrophic cardiomyopathy. Last evaluated: 2018-03-19. Review status: criteria provided, single submitter. Criteria: LMM Criteria. Collection method: clinical testing. Allele origin: germline. Observed: 1 variant allele.
Comment: proposed classification - variant undergoing re-assessment, contact laboratory

Stanford Center for Inherited Cardiovascular Disease, Stanford University
Classification: Likely pathogenic. Last evaluated: 2014-09-03. Review status: criteria provided, single submitter. Criteria: ACMG Guidelines, 2015. Collection method: provider interpretation. Allele origin: germline.

Literature cited by the submitters: PubMed 10525521 (cited by 5 submitters); PubMed 27532257 (cited by 5 submitters); PubMed 21310275 (cited by Labcorp Genetics (formerly Invitae), Labcorp); PubMed 14654368 (cited by 5 submitters); PubMed 14722098 (cited by 5 submitters); PubMed 10978365 (cited by Labcorp Genetics (formerly Invitae), Labcorp and Ambry Genetics); PubMed 11560853 (cited by Ambry Genetics); PubMed 11606294 (cited by 4 submitters); PubMed 18258667 (cited by Ambry Genetics and Laboratory for Molecular Medicine, Mass General Brigham Personalized Medicine); PubMed 20513729 (cited by 3 submitters); PubMed 20624503 (cited by Ambry Genetics); PubMed 22144547 (cited by 3 submitters); PubMed 23074333 (cited by Ambry Genetics and Laboratory for Molecular Medicine, Mass General Brigham Personalized Medicine); PubMed 25611685 (cited by Ambry Genetics); PubMed 28073646 (cited by 3 submitters); PubMed 30165862 (cited by Color Diagnostics, LLC DBA Color Health and All of Us Research Program, National Institutes of Health); PubMed 32659924 (cited by Color Diagnostics, LLC DBA Color Health and All of Us Research Program, National Institutes of Health); PubMed 33495597 (cited by Color Diagnostics, LLC DBA Color Health and All of Us Research Program, National Institutes of Health); PubMed 35176171 (cited by Color Diagnostics, LLC DBA Color Health); PubMed 37477868 (cited by Color Diagnostics, LLC DBA Color Health).

NM_001276345.2(TNNT2):c.311G>T (p.Arg104Leu)

Gene: TNNT2 (troponin T2, cardiac type; minus strand). Cytogenetic location: 1q32.1.
Variant type: single nucleotide variant.
Coding change: c.311G>T on transcript NM_001276345.2 (MANE Select); coding-DNA position 311, G replaced by T.
Protein change: p.Arg104Leu; replaces arginine 104 with leucine.
Molecular consequence: missense variant. On other transcripts: intron variant (1).
Genome position (GRCh38, 1-based): chr1:201,365,291, C>A on the plus strand (G>T on the coding strand, the complement: TNNT2 is on the minus strand). VCF-style: chr1-201365291-C-A. GRCh37 (hg19) VCF-style: chr1-201334419-C-A.
Other names: p.R94L:CGC>CTC; c.311G>T, p.Arg104Leu (NM_000364.4); c.281G>T, p.Arg94Leu (NM_001001430.3, NM_001001431.3, NM_001276347.2); c.266G>T, p.Arg89Leu (NM_001001432.3); c.291+319G>T (NM_001276346.2); short protein forms R104L, R94L, R89L.
Identifiers: ClinVar variation 43629 (VCV000043629.25), dbSNP rs397516457, ClinGen allele CA004302.
Genomic context (GRCh38, chr1:201,365,291, plus strand): 5'-TTCCTGTTCTCAAAGTGAGCCTCGATCAGCGCCTGCAACTCATTCAGGTCCTTCTCCATG[C>A]GCTTCCGGTGGATGTCCTGTGGGTGGACCGCTGCGGCTCAGAGGCTGCCACTCCAAAGAG-3'
Protein context (NP_001263274.1, residues 94-114): RVDFDDIHRK[Arg104Leu]MEKDLNELQA